The following is an entry in ClinVar:

NM_000186.4(CFH):c.1419G>A (p.Ala473=)

Gene: CFH (complement factor H; plus strand). Cytogenetic location: 1q31.3.
Variant type: single nucleotide variant.
Coding change: c.1419G>A on transcript NM_000186.4 (MANE Select); coding-DNA position 1419, G replaced by A.
Protein change: p.Ala473=; no amino-acid change (alanine 473 retained).
Molecular consequence: synonymous variant.
Genome position (GRCh38, 1-based): chr1:196,713,817, G>A. VCF-style: chr1-196713817-G-A. GRCh37 (hg19) VCF-style: chr1-196682947-G-A.
Other names: p.Ala473=.
Identifiers: ClinVar variation 294491 (VCV000294491.24), dbSNP rs2274700, ClinGen allele CA1305392.
Genomic context (GRCh38, chr1:196,713,817, plus strand): 5'-AGATATTGAGAATGGGTTTATTTCTGAATCTCAGTATACATATGCCTTAAAAGAAAAAGC[G>A]AAATATCAATGCAAACTAGGATATGTAACAGCAGATGGTGAAACATCAGGATCAATTACA-3'
Protein context (NP_000177.2, residues 463-483): SQYTYALKEK[Ala473=]KYQCKLGYVT

ClinVar aggregate classification (germline): Benign/Likely benign. Review status: criteria provided, multiple submitters, no conflicts (2 of 4 stars). 16 submissions from 10 submitters: Benign (15); Likely benign (1). Last evaluated 2026-02-04.

Conditions:
CFH-Related Dense Deposit Disease / Membranoproliferative Glomerulonephritis Type II. Identifiers: MedGen CN071292.
Basal laminar drusen. Also called: DRUSEN OF BRUCH MEMBRANE; DRUSEN, CUTICULAR; DRUSEN, EARLY ADULT-ONSET, GROUPED. Identifiers: Orphanet 75376, MedGen C0730295, MONDO:0007472, OMIM 126700.
Atypical hemolytic-uremic syndrome. Identifiers: Orphanet 2134, MedGen C2931788, MONDO:0016244.
Age related macular degeneration 4. Identifiers: MedGen C1853147, MONDO:0012540, OMIM 610698.
Factor H deficiency (CFHD). Also called: COMPLEMENT FACTOR H DEFICIENCY; CFH DEFICIENCY. Identifiers: Orphanet 200421, MedGen C0398777, MONDO:0012350, OMIM 609814.
Hemolytic uremic syndrome, atypical, susceptibility to, 1. Also called: AHUS, SUSCEPTIBILITY TO, 1. Identifiers: Orphanet 2134, Orphanet 90038, MedGen C2749604, MONDO:0009335, OMIM 235400. Disease mechanism: Other.

Allele frequency attached by ClinVar (database versions not stated): gnomAD exomes 0.42000 and 0.44352; ESP Exome Variant Server 0.42619; gnomAD 0.43407 and 0.44002; TOPMed 0.44228; ExAC 0.44309; 1000 Genomes Project 0.47903; 1000 Genomes Project 30x 0.48111.
gnomAD v4.1: 679,796 of 1,610,552 alleles (42%); highest among the groups gnomAD compares: South Asian, 55%; 145,615 homozygotes.

Submissions (16):

Labcorp Genetics (formerly Invitae), Labcorp
Classification: Benign. Last evaluated: 2026-02-04. Review status: criteria provided, single submitter. Criteria: Invitae Variant Classification Sherloc (09022015). Collection method: clinical testing. Allele origin: germline.

Women's Health and Genetics/Laboratory Corporation of America, LabCorp
Classification: Benign. Last evaluated: 2026-01-21. Review status: criteria provided, single submitter. Criteria: LabCorp Variant Classification Summary - May 2015. Collection method: clinical testing. Allele origin: germline.

Genomenon, Inc
Classification: Benign for Basal laminar drusen; Age related macular degeneration 4; Atypical hemolytic-uremic syndrome; Factor H deficiency. Last evaluated: 2025-10-02. Review status: criteria provided, single submitter. Criteria: Genomenon Sequence Variant Interpretation Standards - Updated. Collection method: curation. Allele origin: germline. Affected: no.
Comment: CFH p.Ala473= (c.1419G>A) is a synonymous variant that retains Alanine at residue 473. This variant has been reported in the published literature (PMID:23475501;30238151;12960213;31820418;26376595;29854987;22388616;9312129). This variant is present at high allele frequency in population databases. In conclusion, we classify CFH p.Ala473= (c.1419G>A) as a benign variant.

Blueprint Genetics
Classification: Likely benign. Last evaluated: 2024-11-26. Review status: criteria provided, single submitter. Criteria: ACMG Guidelines, 2015. Collection method: clinical testing. Allele origin: germline.

Genome Diagnostics Laboratory, The Hospital for Sick Children
Classification: Benign for Atypical hemolytic-uremic syndrome. Last evaluated: 2022-10-05. Review status: criteria provided, single submitter. Criteria: ACMG Guidelines, 2015. Collection method: clinical testing. Allele origin: germline.

Mayo Clinic Laboratories, Mayo Clinic
Classification: Benign. Last evaluated: 2022-09-09. Review status: criteria provided, single submitter. Criteria: ACMG Guidelines, 2015. Collection method: clinical testing. Allele origin: germline. Observed: 2,116 variant alleles.
Comment: BA1

Genome-Nilou Lab
Classification: Benign for Hemolytic uremic syndrome, atypical, susceptibility to, 1. Last evaluated: 2021-07-22. Review status: criteria provided, single submitter. Criteria: ACMG Guidelines, 2015. Collection method: clinical testing. Allele origin: germline. Affected: no.

Genome-Nilou Lab
Classification: Benign for Age related macular degeneration 4. Last evaluated: 2021-07-22. Review status: criteria provided, single submitter. Criteria: ACMG Guidelines, 2015. Collection method: clinical testing. Allele origin: germline. Affected: no.

Genome-Nilou Lab
Classification: Benign for Basal laminar drusen. Last evaluated: 2021-07-22. Review status: criteria provided, single submitter. Criteria: ACMG Guidelines, 2015. Collection method: clinical testing. Allele origin: germline. Affected: no.

Genome-Nilou Lab
Classification: Benign for Factor H deficiency. Last evaluated: 2021-07-22. Review status: criteria provided, single submitter. Criteria: ACMG Guidelines, 2015. Collection method: clinical testing. Allele origin: germline. Affected: no.

GeneDx
Classification: Benign. Last evaluated: 2021-05-04. Review status: criteria provided, single submitter. Criteria: GeneDx Variant Classification Process June 2021. Collection method: clinical testing. Allele origin: germline. Affected: yes.
Comment: This variant is associated with the following publications: (PMID: 25087612, 21868097, 22848687, 16299065)

Illumina Laboratory Services, Illumina
Classification: Benign for Hemolytic uremic syndrome, atypical, susceptibility to, 1. Last evaluated: 2017-04-27. Review status: criteria provided, single submitter. Criteria: ICSL Variant Classification Criteria 13 December 2019. Collection method: clinical testing. Allele origin: germline.
Comment: This variant was observed as part of a predisposition screen in an ostensibly healthy population. A literature search was performed for the gene, cDNA change, and amino acid change (where applicable). No publications were found based on this search. Allele frequency data from public databases was too high to be consistent with this variant causing disease. Therefore, this variant is classified as benign.

Illumina Laboratory Services, Illumina
Classification: Benign for Age related macular degeneration 4. Last evaluated: 2017-04-27. Review status: criteria provided, single submitter. Criteria: ICSL Variant Classification Criteria 13 December 2019. Collection method: clinical testing. Allele origin: germline.
Comment: the same text as in the submission from Illumina Laboratory Services, Illumina above.

Illumina Laboratory Services, Illumina
Classification: Benign for Membranoproliferative glomerulonephritis with complement factor h deficiency. Last evaluated: 2017-04-27. Review status: criteria provided, single submitter. Criteria: ICSL Variant Classification Criteria 13 December 2019. Collection method: clinical testing. Allele origin: germline.
Comment: This variant was observed as part of a predisposition screen in an ostensibly healthy population. A literature search was performed for the gene, cDNA change, and amino acid change (where applicable). Publications were found based on this search. The evidence from the literature, in combination with allele frequency data from public databases where available, was sufficient to rule this variant out of causing disease. Therefore, this variant is classified as benign.

Illumina Laboratory Services, Illumina
Classification: Benign for Basal laminar drusen. Last evaluated: 2017-04-27. Review status: criteria provided, single submitter. Criteria: ICSL Variant Classification Criteria 13 December 2019. Collection method: clinical testing. Allele origin: germline.
Comment: the same text as in the submission from Illumina Laboratory Services, Illumina above.

Breakthrough Genomics
Classification: Benign. Review status: criteria provided, single submitter. Criteria: ACMG Guidelines, 2015. Collection method: not provided. Allele origin: germline. Inheritance: Autosomal recessive inheritance. Affected: yes.

Literature cited by the submitters: PubMed 23475501 (cited by Genomenon, Inc); PubMed 30238151 (cited by Genomenon, Inc); PubMed 12960213 (cited by Genomenon, Inc); PubMed 31820418 (cited by Genomenon, Inc); PubMed 26376595 (cited by Genomenon, Inc); PubMed 29854987 (cited by Genomenon, Inc); PubMed 22388616 (cited by Genomenon, Inc); PubMed 9312129 (cited by Genomenon, Inc); PubMed 16299065 (cited by Illumina Laboratory Services, Illumina).